The following is an entry in ClinVar:

ClinVar aggregate classification (germline): Uncertain significance (1 of 4 stars; one submission).

Conditions:
Cardiovascular phenotype. Identifiers: MedGen CN230736.

Allele frequency attached by ClinVar (database versions not stated): gnomAD exomes below 0.00001.
gnomAD v4.1: 2 of 1,613,854 alleles (0.00012%); highest among the groups gnomAD compares: South Asian, 0.0022%; no homozygotes.

Submission:

Ambry Genetics
Classification: Uncertain significance for Cardiovascular phenotype. Last evaluated: 2020-01-09. Review status: criteria provided, single submitter. Criteria: Ambry Variant Classification Scheme 2023. Collection method: clinical testing. Allele origin: germline.
Comment: The p.H854L variant (also known as c.2561A>T), located in coding exon 13 of the PKP2 gene, results from an A to T substitution at nucleotide position 2561. The histidine at codon 854 is replaced by leucine, an amino acid with similar properties. This amino acid position is highly conserved in available vertebrate species. In addition, the in silico prediction for this alteration is inconclusive. Since supporting evidence is limited at this time, the clinical significance of this alteration remains unclear.

NM_001005242.3(PKP2):c.2429A>T (p.His810Leu)

Gene: PKP2 (plakophilin 2; minus strand). Cytogenetic location: 12p11.21.
Variant type: single nucleotide variant.
Coding change: c.2429A>T on transcript NM_001005242.3 (MANE Select); coding-DNA position 2429, A replaced by T.
Protein change: p.His810Leu; replaces histidine 810 with leucine.
Molecular consequence: missense variant.
Genome position (GRCh38, 1-based): chr12:32,792,660, T>A on the plus strand (A>T on the coding strand, the complement: PKP2 is on the minus strand). VCF-style: chr12-32792660-T-A. GRCh37 (hg19) VCF-style: chr12-32945594-T-A.
Other names: c.2561A>T, p.His854Leu (NM_004572.4); short protein forms H854L, H810L.
Identifiers: ClinVar variation 264570 (VCV000264570.5), dbSNP rs886039193, ClinGen allele CA10587754.